The following is an entry in ClinVar:

NM_001371904.1(APOA5):c.563A>G (p.Lys188Arg)

Gene: APOA5 (apolipoprotein A5; minus strand). Cytogenetic location: 11q23.3.
Variant type: single nucleotide variant.
Coding change: c.563A>G on transcript NM_001371904.1 (MANE Select); coding-DNA position 563, A replaced by G.
Protein change: p.Lys188Arg; replaces lysine 188 with arginine.
Molecular consequence: missense variant.
Genome position (GRCh38, 1-based): chr11:116,790,666, T>C on the plus strand (A>G on the coding strand, the complement: APOA5 is on the minus strand). VCF-style: chr11-116790666-T-C. GRCh37 (hg19) VCF-style: chr11-116661382-T-C.
Other names: c.563A>G, p.Lys188Arg (NM_001166598.2, NM_052968.5); short protein forms K188R.
Identifiers: ClinVar variation 2992805 (VCV002992805.3), dbSNP rs1303929283, ClinGen allele CA382738091.

ClinVar aggregate classification (germline): Uncertain significance (1 of 4 stars; one submission).

Allele frequency attached by ClinVar (database versions not stated): gnomAD exomes 0.00001.

Submission:

Labcorp Genetics (formerly Invitae), Labcorp
Classification: Uncertain significance. Last evaluated: 2023-08-30. Review status: criteria provided, single submitter. Criteria: Invitae Variant Classification Sherloc (09022015). Collection method: clinical testing. Allele origin: germline.
Comment: In summary, the available evidence is currently insufficient to determine the role of this variant in disease. Therefore, it has been classified as a Variant of Uncertain Significance. Algorithms developed to predict the effect of missense changes on protein structure and function output the following: SIFT: "Not Available"; PolyPhen-2: "Benign"; Align-GVGD: "Not Available". The arginine amino acid residue is found in multiple mammalian species, which suggests that this missense change does not adversely affect protein function. This missense change has been observed in individual(s) with combined hyperlipidemia (PMID: 33303402). This variant is present in population databases (no rsID available, gnomAD 0.0009%). This sequence change replaces lysine, which is basic and polar, with arginine, which is basic and polar, at codon 188 of the APOA5 protein (p.Lys188Arg).

Literature cited by the submitters: PubMed 33303402.